The following is an entry in ClinVar:

NM_002430.3(MN1):c.824_841del (p.Ala275_Ala280del)

Gene: MN1 (MN1 proto-oncogene, transcriptional regulator; minus strand). Cytogenetic location: 22q12.1.
Variant type: Deletion.
Coding change: c.824_841del on transcript NM_002430.3 (MANE Select); coding-DNA positions 824 to 841, 18 bases deleted (CCATGCCCAGAGCTGCGG).
Protein change: p.Ala275_Ala280del.
Molecular consequence: inframe deletion.
Genome position (GRCh38, 1-based): chr22:27,799,703-27,799,720, CCGCAGCTCTGGGCATGG deleted on the plus strand (CCATGCCCAGAGCTGCGG on the coding strand, the reverse complement: MN1 is on the minus strand); deleting any 18 consecutive bases within chr22:27,799,703-27,799,723 gives the same sequence; the c. name uses the placement nearest the transcript's 3' end. VCF-style (leftmost placement, unchanged base first): chr22-27799702-CCCGCAGCTCTGGGCATGG-C. GRCh37 (hg19) VCF-style: chr22-28195690-CCCGCAGCTCTGGGCATGG-C.
Identifiers: ClinVar variation 4975817 (VCV004975817.1).

ClinVar aggregate classification (germline): Uncertain significance (1 of 4 stars; one submission).

Submission:

GeneDx
Classification: Uncertain significance. Last evaluated: 2026-02-03. Review status: criteria provided, single submitter. Criteria: GeneDx Variant Classification Process June 2021. Collection method: clinical testing. Allele origin: germline.
Comment: Not observed at significant frequency in large population cohorts (gnomAD); In-frame deletion of six amino acids in a non-repeat region; In silico analysis supports a deleterious effect on protein structure/function; Has not been previously published as pathogenic or benign to our knowledge